The following is an entry in ClinVar:

NM_001134363.3(RBM20):c.908G>A (p.Gly303Asp)

Gene: RBM20 (RNA binding motif protein 20; plus strand). Cytogenetic location: 10q25.2.
Variant type: single nucleotide variant.
Coding change: c.908G>A on transcript NM_001134363.3 (MANE Select); coding-DNA position 908, G replaced by A.
Protein change: p.Gly303Asp; replaces glycine 303 with aspartic acid.
Molecular consequence: missense variant.
Genome position (GRCh38, 1-based): chr10:110,781,517, G>A. VCF-style: chr10-110781517-G-A. GRCh37 (hg19) VCF-style: chr10-112541275-G-A.
Other names: short protein forms G303D.
Identifiers: ClinVar variation 3714995 (VCV003714995.2).

ClinVar aggregate classification (germline): Uncertain significance (1 of 4 stars; one submission).

Conditions:
Dilated cardiomyopathy 1DD (CMD1DD). Identifiers: Orphanet 154, MedGen C2750995, MONDO:0013168, OMIM 613172.

gnomAD v4.1: 3 of 1,551,532 alleles (0.00019%); highest among the groups gnomAD compares: Non-Finnish European, 0.00026%; no homozygotes.

Submission:

Labcorp Genetics (formerly Invitae), Labcorp
Classification: Uncertain significance for Dilated cardiomyopathy 1DD. Last evaluated: 2024-11-18. Review status: criteria provided, single submitter. Criteria: Invitae Variant Classification Sherloc (09022015). Collection method: clinical testing. Allele origin: germline.
Comment: This sequence change replaces glycine, which is neutral and non-polar, with aspartic acid, which is acidic and polar, at codon 303 of the RBM20 protein (p.Gly303Asp). This variant is present in population databases (no rsID available, gnomAD 0.007%). This variant has not been reported in the literature in individuals affected with RBM20-related conditions. Invitae Evidence Modeling of protein sequence and biophysical properties (such as structural, functional, and spatial information, amino acid conservation, physicochemical variation, residue mobility, and thermodynamic stability) indicates that this missense variant is not expected to disrupt RBM20 protein function with a negative predictive value of 95%. In summary, the available evidence is currently insufficient to determine the role of this variant in disease. Therefore, it has been classified as a Variant of Uncertain Significance.